The following is an entry in ClinVar:

NM_001034832.5(SSX4B):c.75C>T (p.Phe25=)

Gene: SSX4B (SSX family member 4B; minus strand). Cytogenetic location: Xp11.23.
Variant type: single nucleotide variant.
Coding change: c.75C>T on transcript NM_001034832.5 (MANE Select); coding-DNA position 75, C replaced by T.
Protein change: p.Phe25=; no amino-acid change (phenylalanine 25 retained).
Molecular consequence: synonymous variant.
Genome position (GRCh38, 1-based): chrX:48,410,859, G>A on the plus strand (C>T on the coding strand, the complement: SSX4B is on the minus strand). VCF-style: chrX-48410859-G-A. GRCh37 (hg19) VCF-style: chrX-48270302-G-A.
Other names: c.75C>T, p.Phe25= (NM_001040612.4).
Identifiers: ClinVar variation 2660449 (VCV002660449.24), dbSNP rs143022814, ClinGen allele CA10402138.
Genomic context (GRCh38, chrX:48,410,859, plus strand): 5'-TTTCTCCGAGGATTTCATCTTTTCCCACTCTTTCTTAGAGAAGTATTTGGCAATATCATC[G>A]AAGGCCTGGAAAAAAAAAAAAAAAGGAATTATGGCAGGGACTCAGCTAGGCATGTCTGCC-3'
Protein context (NP_001030004.1, residues 15-35): AQISEKLRKA[Phe25=]DDIAKYFSKK

ClinVar aggregate classification (germline): Likely benign (1 of 4 stars; one submission).

Allele frequency attached by ClinVar (database versions not stated): ExAC 0.00022; ESP Exome Variant Server 0.00057.

Submission:

CeGaT Center for Human Genetics Tuebingen
Classification: Likely benign. Last evaluated: 2023-03-01. Review status: criteria provided, single submitter. Criteria: CeGaT Center For Human Genetics Tuebingen Variant Classification Criteria Version 2. Collection method: clinical testing. Allele origin: germline. Affected: yes. Observed: 1 variant allele.
Comment: SSX4B: BP4, BP7